The following is an entry in ClinVar:

ClinVar aggregate classification (germline): Uncertain significance. Review status: criteria provided, multiple submitters, no conflicts (2 of 4 stars). 2 submissions from 2 submitters: Uncertain significance (2). Last evaluated 2026-09-02.

Conditions:
Hereditary cancer-predisposing syndrome. Also called: Tumor predisposition; Hereditary Cancer Syndrome; Hereditary neoplastic syndrome; Neoplastic Syndromes, Hereditary. Identifiers: Orphanet 140162, MedGen C0027672, MeSH D009386, MONDO:0015356.
Familial cancer of breast. Also called: Hereditary breast cancer; hereditary breast carcinoma; BREAST CANCER, FAMILIAL. Identifiers: Orphanet 227535, MedGen C0346153, MONDO:0016419, OMIM 114480. Disease mechanism: loss of function.

Allele frequency attached by ClinVar (database versions not stated): gnomAD exomes below 0.00001.

Submissions (2):

Ambry Genetics
Classification: Uncertain significance for Hereditary cancer-predisposing syndrome. Last evaluated: 2026-09-02. Review status: criteria provided, single submitter. Criteria: Ambry Variant Classification Scheme 2023. Collection method: clinical testing. Allele origin: germline.
Comment: The p.N326K variant (also known as c.978T>G), located in coding exon 4 of the BARD1 gene, results from a T to G substitution at nucleotide position 978. The asparagine at codon 326 is replaced by lysine, an amino acid with similar properties. This amino acid position is conserved. In addition, this alteration is predicted to be tolerated by in silico analysis. Based on the available evidence, the clinical significance of this variant remains unclear.

Labcorp Genetics (formerly Invitae), Labcorp
Classification: Uncertain significance for Familial cancer of breast. Last evaluated: 2024-04-30. Review status: criteria provided, single submitter. Criteria: Invitae Variant Classification Sherloc (09022015). Collection method: clinical testing. Allele origin: germline.
Comment: This sequence change replaces asparagine, which is neutral and polar, with lysine, which is basic and polar, at codon 326 of the BARD1 protein (p.Asn326Lys). This variant is not present in population databases (gnomAD no frequency). This variant has not been reported in the literature in individuals affected with BARD1-related conditions. ClinVar contains an entry for this variant (Variation ID: 1000894). Algorithms developed to predict the effect of missense changes on protein structure and function output the following: SIFT: "Not Available"; PolyPhen-2: "Benign"; Align-GVGD: "Not Available". The lysine amino acid residue is found in multiple mammalian species, which suggests that this missense change does not adversely affect protein function. In summary, the available evidence is currently insufficient to determine the role of this variant in disease. Therefore, it has been classified as a Variant of Uncertain Significance.

NM_000465.4(BARD1):c.978T>G (p.Asn326Lys)

Gene: BARD1 (BRCA1 associated RING domain 1; minus strand). Cytogenetic location: 2q35.
Variant type: single nucleotide variant.
Coding change: c.978T>G on transcript NM_000465.4 (MANE Select); coding-DNA position 978, T replaced by G.
Protein change: p.Asn326Lys; replaces asparagine 326 with lysine.
Molecular consequence: missense variant. On other transcripts: non-coding transcript variant (2), intron variant (3).
Genome position (GRCh38, 1-based): chr2:214,780,896, A>C on the plus strand (T>G on the coding strand, the complement: BARD1 is on the minus strand). VCF-style: chr2-214780896-A-C. GRCh37 (hg19) VCF-style: chr2-215645620-A-C.
Other names: c.921T>G, p.Asn307Lys (NM_001282543.2); c.159-28341T>G (NM_001282548.2); c.215+16165T>G (NM_001282545.2); c.364+11401T>G (NM_001282549.2); c.978T>G (NM_000465.2); short protein forms N307K, N326K.
Identifiers: ClinVar variation 1000894 (VCV001000894.10), dbSNP rs1553622318, ClinGen allele CA350454578.